The following is an entry in ClinVar:

ClinVar aggregate classification (germline): Uncertain significance. Review status: criteria provided, single submitter (1 of 4 stars). 2 submissions from 2 submitters: Uncertain significance (1). 1 of the submissions does not count toward it. Last evaluated 2022-06-23.

Conditions:
Retinal dystrophy. Also called: Inherited retinal dystrophy. Identifiers: Orphanet 71862, MedGen C0854723, MeSH D058499, MONDO:0019118, HP:0000556.

Allele frequency attached by ClinVar (database versions not stated): gnomAD exomes 0.00001; TOPMed below 0.00001.
gnomAD v4.1: 7 of 1,597,712 alleles (0.00044%); highest among the groups gnomAD compares: Non-Finnish European, 0.0006%; no homozygotes.

Submissions (2):

Labcorp Genetics (formerly Invitae), Labcorp
Classification: Uncertain significance. Last evaluated: 2022-06-23. Review status: criteria provided, single submitter. Criteria: Invitae Variant Classification Sherloc (09022015). Collection method: clinical testing. Allele origin: germline.
Comment: In summary, the available evidence is currently insufficient to determine the role of this variant in disease. Therefore, it has been classified as a Variant of Uncertain Significance. Algorithms developed to predict the effect of missense changes on protein structure and function (SIFT, PolyPhen-2, Align-GVGD) all suggest that this variant is likely to be tolerated. This variant has not been reported in the literature in individuals affected with CFAP410-related conditions. This variant is present in population databases (no rsID available, gnomAD 0.001%). This sequence change replaces glutamic acid, which is acidic and polar, with lysine, which is basic and polar, at codon 188 of the CFAP410 protein (p.Glu188Lys).

Institute of Human Genetics, Univ. Regensburg, Univ. Regensburg
Classification: Uncertain significance for Retinal dystrophy. Last evaluated: 2022-01-01. Review status: no assertion criteria provided. Criteria: ACMG Guidelines, 2015. Collection method: clinical testing. Allele origin: germline. Affected: yes. Not counted in ClinVar's aggregate classification.

NM_004928.3(CFAP410):c.562G>A (p.Glu188Lys)

Gene: CFAP410 (cilia and flagella associated protein 410; minus strand). Cytogenetic location: 21q22.3.
Variant type: single nucleotide variant.
Coding change: c.562G>A on transcript NM_004928.3 (MANE Select); coding-DNA position 562, G replaced by A.
Protein change: p.Glu188Lys; replaces glutamic acid 188 with lysine.
Molecular consequence: missense variant.
Genome position (GRCh38, 1-based): chr21:44,330,903, C>T on the plus strand (G>A on the coding strand, the complement: CFAP410 is on the minus strand). VCF-style: chr21-44330903-C-T. GRCh37 (hg19) VCF-style: chr21-45750786-C-T.
Other names: c.559G>A, p.Glu187Lys (NM_001271440.2, NM_001271441.2); c.436G>A, p.Glu146Lys (NM_001271442.1); short protein forms E146K, E188K, E187K.
Identifiers: ClinVar variation 1966393 (VCV001966393.6), dbSNP rs1459796059, ClinGen allele CA410452839.
Genomic context (GRCh38, chr21:44,330,903, plus strand): 5'-AGGCATCCCTGGCTGAGAGGGAAGGAAACTGGCCCCGGGAAGGCGGCTTCAGGCCACGTT[C>T]ATCCTGGGCGCCGCTGCTGAGAGGGAGACAAAGGCGTGTGAGGGTCAGGGGGCTCGTGGC-3'
Protein context (NP_004919.1, residues 178-198): EEEATSGAQD[Glu188Lys]RGLKPPSRGQ